The following is an entry in ClinVar:

NM_004612.4(TGFBR1):c.1387-14dup

Gene: TGFBR1 (transforming growth factor beta receptor 1; plus strand). Cytogenetic location: 9q22.33.
Variant type: Duplication.
Coding change: c.1387-14dup on transcript NM_004612.4 (MANE Select); 14 bases into the intron before coding-DNA position 1387, one base duplicated (A; older notation c.1387-14dupA).
Molecular consequence: intron variant.
Genome position (GRCh38, 1-based): chr9:99,149,166, A duplicated. VCF-style (leftmost placement, unchanged base first): chr9-99149165-T-TA. GRCh37 (hg19) VCF-style: chr9-101911447-T-TA.
Other names: c.1387-14dupA (NM_004612.3); c.1399-14dup (NM_001306210.2); c.1156-14dup (NM_001130916.3).
Identifiers: ClinVar variation 213858 (VCV000213858.14), dbSNP rs863223800, ClinGen allele CA321528.

ClinVar aggregate classification (germline): Benign/Likely benign. Review status: criteria provided, multiple submitters, no conflicts (2 of 4 stars). 5 submissions from 5 submitters: Benign (4); Likely benign (1). Last evaluated 2026-02-01.

Conditions:
Familial thoracic aortic aneurysm and aortic dissection (TAAD). Also called: Thoracic aortic aneurysms and dissections. Identifiers: Orphanet 91387, MedGen C4707243, MONDO:0019625.

Allele frequency attached by ClinVar (database versions not stated): gnomAD exomes 0.00013 and 0.00025; ExAC 0.00081; 1000 Genomes Project 30x 0.00094; gnomAD 0.00130 and 0.00145; TOPMed 0.00150; ESP Exome Variant Server 0.00225.

Submissions (5):

Labcorp Genetics (formerly Invitae), Labcorp
Classification: Benign for Familial thoracic aortic aneurysm and aortic dissection. Last evaluated: 2026-02-01. Review status: criteria provided, single submitter. Criteria: Invitae Variant Classification Sherloc (09022015). Collection method: clinical testing. Allele origin: germline.

Blueprint Genetics
Classification: Likely benign. Last evaluated: 2024-04-23. Review status: criteria provided, single submitter. Criteria: ACMG Guidelines, 2015. Collection method: clinical testing. Allele origin: germline.

Women's Health and Genetics/Laboratory Corporation of America, LabCorp
Classification: Benign. Last evaluated: 2023-07-21. Review status: criteria provided, single submitter. Criteria: LabCorp Variant Classification Summary - May 2015. Collection method: clinical testing. Allele origin: germline.

Color Diagnostics, LLC DBA Color Health
Classification: Benign for Familial thoracic aortic aneurysm and aortic dissection. Last evaluated: 2018-11-27. Review status: criteria provided, single submitter. Criteria: ACMG Guidelines, 2015. Collection method: clinical testing. Allele origin: germline.

GeneDx
Classification: Benign. Last evaluated: 2015-07-16. Review status: criteria provided, single submitter. Criteria: GeneDx Variant Classification (06012015). Collection method: clinical testing. Allele origin: germline. Affected: yes.
Comment: This variant is considered likely benign or benign based on one or more of the following criteria: it is a conservative change, it occurs at a poorly conserved position in the protein, it is predicted to be benign by multiple in silico algorithms, and/or has population frequency not consistent with disease.